The following is an entry in ClinVar:

ClinVar aggregate classification (germline): Likely pathogenic (1 of 4 stars; one submission).

Conditions:
Severe X-linked myotubular myopathy (CNMX). Also called: Myotubular myopathy, X-linked; MYOTUBULAR MYOPATHY 1; X-linked centronuclear myopathy. Identifiers: Orphanet 596, MedGen C0410203, MONDO:0010683, OMIM 310400.

Submission:

Labcorp Genetics (formerly Invitae), Labcorp
Classification: Likely pathogenic for Severe X-linked myotubular myopathy. Last evaluated: 2017-12-19. Review status: criteria provided, single submitter. Criteria: Invitae Variant Classification Sherloc (09022015). Collection method: clinical testing. Allele origin: germline.
Comment: This variant is an in-frame deletion of the genomic region encompassing exon 11 of the MTM1 gene. It preserves the integrity of the reading frame. This deletion has not been reported in the literature in individuals with MTM1-related disease. At least one missense substitution encompassed by this deletion (p.Glu404Lys) has been determined to be pathogenic (PMID: 9285787, 19084976, 25957634, 17005396, 12118066). This suggests that the Glu residue is critical for MTM1 protein function, and that other variants that disrupt it may also be pathogenic. In summary, the currently available evidence indicates that the variant is pathogenic, but additional data are needed to prove that conclusively. Therefore, this variant has been classified as Likely Pathogenic.

Literature cited by the submitters: PubMed 19084976; PubMed 9285787; PubMed 17005396; PubMed 12118066; PubMed 25957634.

NC_000023.10:g.(?_149826294)_(149826500_?)del

Gene: MTM1 (myotubularin 1; plus strand). Cytogenetic location: Xq28.
Variant type: Deletion.
Identifiers: ClinVar variation 583992 (VCV000583992.1).